The following is an entry in ClinVar:

NM_006828.4(ASCC3):c.5423G>A (p.Arg1808His)

Gene: ASCC3 (activating signal cointegrator 1 complex subunit 3; minus strand). Cytogenetic location: 6q16.3.
Variant type: single nucleotide variant.
Coding change: c.5423G>A on transcript NM_006828.4 (MANE Select); coding-DNA position 5423, G replaced by A.
Protein change: p.Arg1808His; replaces arginine 1808 with histidine.
Molecular consequence: missense variant.
Genome position (GRCh38, 1-based): chr6:100,589,761, C>T on the plus strand (G>A on the coding strand, the complement: ASCC3 is on the minus strand). VCF-style: chr6-100589761-C-T. GRCh37 (hg19) VCF-style: chr6-101037637-C-T.
Other names: short protein forms R1808H.
Identifiers: ClinVar variation 2459960 (VCV002459960.4), dbSNP rs371661297, ClinGen allele CA3937753.

ClinVar aggregate classification (germline): Uncertain significance. Review status: criteria provided, multiple submitters, no conflicts (2 of 4 stars). 2 submissions from 2 submitters: Uncertain significance (2). Last evaluated 2025-10-07.

Conditions:
Inborn genetic diseases. Identifiers: MedGen C0950123, MeSH D030342.

gnomAD v4.1: 74 of 1,613,260 alleles (0.0046%); highest among the groups gnomAD compares: Admixed American, 0.013%; no homozygotes.

Submissions (2):

GeneDx
Classification: Uncertain significance. Last evaluated: 2025-10-07. Review status: criteria provided, single submitter. Criteria: GeneDx Variant Classification Process June 2021. Collection method: clinical testing. Allele origin: germline.
Comment: In silico analysis suggests that this missense variant does not alter protein structure/function; Has not been previously published as pathogenic or benign to our knowledge

Ambry Genetics
Classification: Uncertain significance for Inborn genetic diseases. Last evaluated: 2023-02-28. Review status: criteria provided, single submitter. Criteria: Ambry Variant Classification Scheme 2023. Collection method: clinical testing. Allele origin: germline.